The following is an entry in ClinVar:

ClinVar aggregate classification (germline): Uncertain significance (1 of 4 stars; one submission).

gnomAD v4.1: 1 of 1,612,680 alleles (0.000062%); highest among the groups gnomAD compares: Non-Finnish European, 0.000085%; no homozygotes.

Submission:

GeneDx
Classification: Uncertain significance. Last evaluated: 2025-05-16. Review status: criteria provided, single submitter. Criteria: GeneDx Variant Classification Process June 2021. Collection method: clinical testing. Allele origin: germline.
Comment: Not observed at significant frequency in large population cohorts (gnomAD); In silico analysis supports that this missense variant has a deleterious effect on protein structure/function; Has not been previously published as pathogenic or benign to our knowledge

NM_052867.4(NALCN):c.2860G>A (p.Gly954Ser)

Gene: NALCN (sodium leak channel, non-selective; minus strand). Cytogenetic location: 13q33.1.
Variant type: single nucleotide variant.
Coding change: c.2860G>A on transcript NM_052867.4 (MANE Select); coding-DNA position 2860, G replaced by A.
Protein change: p.Gly954Ser; replaces glycine 954 with serine.
Molecular consequence: missense variant.
Genome position (GRCh38, 1-based): chr13:101,104,324, C>T on the plus strand (G>A on the coding strand, the complement: NALCN is on the minus strand). VCF-style: chr13-101104324-C-T. GRCh37 (hg19) VCF-style: chr13-101756675-C-T.
Other names: c.2947G>A, p.Gly983Ser (NM_001350748.2); c.2860G>A, p.Gly954Ser (NM_001350749.2); c.2773G>A, p.Gly925Ser (NM_001350750.2, NM_001350751.2); short protein forms G925S, G954S, G983S.
Identifiers: ClinVar variation 3343517 (VCV003343517.2).